The following is an entry in ClinVar:

NM_001267550.2(TTN):c.83299C>A (p.Pro27767Thr)

Genes: TTN (titin; minus strand), TTN-AS1 (TTN antisense RNA 1; plus strand). Cytogenetic location: 2q31.2.
Variant type: single nucleotide variant.
Coding change: c.83299C>A on transcript NM_001267550.2 (MANE Select); coding-DNA position 83299, C replaced by A.
Protein change: p.Pro27767Thr; replaces proline 27767 with threonine.
Molecular consequence: missense variant.
Genome position (GRCh38, 1-based): chr2:178,562,833, G>T on the plus strand (C>A on the coding strand, the complement: TTN is on the minus strand). VCF-style: chr2-178562833-G-T. GRCh37 (hg19) VCF-style: chr2-179427560-G-T.
Other names: p.P26126T:CCA>ACA; c.56104C>A, p.Pro18702Thr (NM_003319.4); c.56479C>A, p.Pro18827Thr (NM_133432.3); c.56680C>A, p.Pro18894Thr (NM_133437.4); c.78376C>A, p.Pro26126Thr (NM_001256850.1); c.75595C>A, p.Pro25199Thr (NM_133378.4); c.83299C>A (NM_001267550.1); short protein forms P27767T, P25199T, P26126T, P18827T, P18894T, P18702T.
Identifiers: ClinVar variation 47423 (VCV000047423.32), dbSNP rs184643087, ClinGen allele CA140951.

ClinVar aggregate classification (germline): Conflicting classifications of pathogenicity. Review status: criteria provided, conflicting classifications (1 of 4 stars). 11 submissions from 11 submitters: Uncertain significance (3); Benign (3); Likely benign (4). 1 of the submissions does not count toward it. Last evaluated 2026-02-03.

Conditions:
Cardiovascular phenotype. Identifiers: MedGen CN230736.
TTN-related disorder. Also called: TTN-related disorders; TTN-related condition; TTN-related disease.
Autosomal recessive limb-girdle muscular dystrophy type 2J (LGMDR10). Also called: Limb-girdle muscular dystrophy, type 2J; MUSCULAR DYSTROPHY, LIMB-GIRDLE, AUTOSOMAL RECESSIVE 10. Identifiers: Orphanet 140922, MedGen C1837342, MONDO:0012127, OMIM 608807.
Dilated cardiomyopathy 1G (CMD1G). Identifiers: Orphanet 154, MedGen C1858763, MONDO:0011400, OMIM 604145.
Cardiomyopathy (CMYO). Also called: Cardiomyopathies. Identifiers: Orphanet 167848, MedGen C0878544, MONDO:0004994, HP:0001638. Inheritance: Various modes of inheritance.

Allele frequency attached by ClinVar (database versions not stated): gnomAD exomes 0.00006 and 0.00017; ExAC 0.00020; 1000 Genomes Project 30x 0.00031; 1000 Genomes Project 0.00040; ESP Exome Variant Server 0.00058; gnomAD 0.00076 and 0.00088; TOPMed 0.00079.
gnomAD v4.1: 212 of 1,613,002 alleles (0.013%); highest among the groups gnomAD compares: African/African-American, 0.25%; no homozygotes.

Submissions (11):

Labcorp Genetics (formerly Invitae), Labcorp
Classification: Likely benign for Dilated cardiomyopathy 1G; Autosomal recessive limb-girdle muscular dystrophy type 2J. Last evaluated: 2026-02-03. Review status: criteria provided, single submitter. Criteria: Invitae Variant Classification Sherloc (09022015). Collection method: clinical testing. Allele origin: germline.

Revvity Omics, Revvity
Classification: Uncertain significance. Last evaluated: 2025-04-16. Review status: criteria provided, single submitter. Criteria: ACMG Guidelines, 2015. Collection method: clinical testing. Allele origin: germline.

Blueprint Genetics
Classification: Likely benign. Last evaluated: 2024-11-13. Review status: criteria provided, single submitter. Criteria: ACMG Guidelines, 2015. Collection method: clinical testing. Allele origin: germline.

Women's Health and Genetics/Laboratory Corporation of America, LabCorp
Classification: Benign. Last evaluated: 2021-11-29. Review status: criteria provided, single submitter. Criteria: LabCorp Variant Classification Summary - May 2015. Collection method: clinical testing. Allele origin: germline.
Comment: Variant summary: TTN c.75595C>A (p.Pro25199Thr) results in a non-conservative amino acid change located in the A-band region of the encoded protein sequence. Five of five in-silico tools predict a damaging effect of the variant on protein function. The variant allele was found at a frequency of 0.00076 in 150850 control chromosomes, predominantly at a frequency of 0.0027 within the African or African-American subpopulation in the gnomAD database. The observed variant frequency within African or African-American control individuals in the gnomAD database is approximately 7-fold of the estimated maximal expected allele frequency for a pathogenic variant in TTN causing Dilated Cardiomyopathy phenotype (0.00039), strongly suggesting that the variant is a benign polymorphism found primarily in populations of African or African-American origin. To our knowledge, no occurrence of c.75595C>A in individuals affected with Dilated Cardiomyopathy and no experimental evidence demonstrating its impact on protein function have been reported. Four clinical diagnostic laboratories have submitted clinical-significance assessments for this variant to ClinVar after 2014 without evidence for independent evaluation, and classified the variant as benign (n=1) / likely benign (n=2) or VUS (n=1). Based on the evidence outlined above, the variant was classified as benign.

CHEO Genetics Diagnostic Laboratory, Children's Hospital of Eastern Ontario
Classification: Benign for Cardiomyopathy. Last evaluated: 2021-08-09. Review status: criteria provided, single submitter. Criteria: ACMG Guidelines, 2015. Collection method: clinical testing. Allele origin: germline.

Athena Diagnostics
Classification: Benign. Last evaluated: 2021-01-05. Review status: criteria provided, single submitter. Criteria: Athena Diagnostics criteria. Collection method: clinical testing. Allele origin: unknown.

Ambry Genetics
Classification: Likely benign for Cardiovascular phenotype. Last evaluated: 2019-06-26. Review status: criteria provided, single submitter. Criteria: Ambry Variant Classification Scheme 2023. Collection method: clinical testing. Allele origin: germline.

GeneDx
Classification: Likely benign. Last evaluated: 2017-11-30. Review status: criteria provided, single submitter. Criteria: GeneDx Variant Classification (06012015). Collection method: clinical testing. Allele origin: germline. Affected: yes.
Comment: This variant is considered likely benign or benign based on one or more of the following criteria: it is a conservative change, it occurs at a poorly conserved position in the protein, it is predicted to be benign by multiple in silico algorithms, and/or has population frequency not consistent with disease.

Eurofins Ntd Llc (ga)
Classification: Uncertain significance. Last evaluated: 2017-04-18. Review status: criteria provided, single submitter. Criteria: EGL Classification Definitions 2015. Collection method: clinical testing. Allele origin: germline. Observed: 4 variant alleles, 4 heterozygotes.

Laboratory for Molecular Medicine, Mass General Brigham Personalized Medicine
Classification: Uncertain significance. Last evaluated: 2014-03-19. Review status: criteria provided, single submitter. Criteria: LMM Criteria. Collection method: clinical testing. Allele origin: germline. Observed: 4 variant alleles.
Comment: Variant classified as Uncertain Significance - Favor Benign. The Pro25199Thr var iant in TTN has been detected in 0.2% (7/3804) of African American chromosomes b y the NHLBI Exome Sequencing Project (dbSNP r s184643087). Computational prediction tools and conservation analysis suggest th at this variant may impact the protein, though this information is not predictiv e enough to determine pathogenicity. In summary, the frequency of this variant s uggests that it is more likely benign but is too low to confidently rule out a d isease-causing role. Additional information is needed to fully assess the clinic al significance of this variant.

PreventionGenetics, part of Exact Sciences
Classification: Likely benign for TTN-related condition. Last evaluated: 2023-06-27. Review status: no assertion criteria provided. Collection method: clinical testing. Allele origin: germline. Not counted in ClinVar's aggregate classification.
Comment: This variant is classified as likely benign based on ACMG/AMP sequence variant interpretation guidelines (Richards et al. 2015 PMID: 25741868, with internal and published modifications).